The following is an entry in ClinVar:

ClinVar aggregate classification (germline): Uncertain significance (1 of 4 stars; one submission).

gnomAD v4.1: 14 of 1,614,108 alleles (0.00087%); highest among the groups gnomAD compares: Non-Finnish European, 0.0012%; no homozygotes.

Submission:

Ambry Genetics
Classification: Uncertain significance. Last evaluated: 2024-04-27. Review status: criteria provided, single submitter. Criteria: Ambry Variant Classification Scheme 2023. Collection method: clinical testing. Allele origin: germline.
Comment: The p.V437L variant (also known as c.1309G>T), located in coding exon 4 of the TMPO gene, results from a G to T substitution at nucleotide position 1309. The valine at codon 437 is replaced by leucine, an amino acid with highly similar properties. This amino acid position is conserved. In addition, this alteration is predicted to be tolerated by in silico analysis. Since supporting evidence is limited at this time, the clinical significance of this alteration remains unclear.

NM_001032283.3(TMPO):c.565+1728G>T

Gene: TMPO (thymopoietin; plus strand). Cytogenetic location: 12q23.1.
Variant type: single nucleotide variant.
Coding change: c.565+1728G>T on transcript NM_001032283.3 (MANE Select); 1728 bases into the intron after coding-DNA position 565, G replaced by T.
Molecular consequence: intron variant. On other transcripts: missense variant (1).
Genome position (GRCh38, 1-based): chr12:98,533,566, G>T. VCF-style: chr12-98533566-G-T. GRCh37 (hg19) VCF-style: chr12-98927344-G-T.
Other names: c.1309G>T, p.Val437Leu (NM_003276.2); c.565+1728G>T (NM_001307975.2, NM_001032284.3); short protein forms V437L.
Identifiers: ClinVar variation 1769600 (VCV001769600.3), dbSNP rs145703021, ClinGen allele CA6732396.